The following is an entry in ClinVar:

NM_024685.4(BBS10):c.152G>A (p.Gly51Glu)

Gene: BBS10 (Bardet-Biedl syndrome 10; minus strand). Cytogenetic location: 12q21.2.
Variant type: single nucleotide variant.
Coding change: c.152G>A on transcript NM_024685.4 (MANE Select); coding-DNA position 152, G replaced by A.
Protein change: p.Gly51Glu; replaces glycine 51 with glutamic acid.
Molecular consequence: missense variant.
Genome position (GRCh38, 1-based): chr12:76,348,207, C>T on the plus strand (G>A on the coding strand, the complement: BBS10 is on the minus strand). VCF-style: chr12-76348207-C-T. GRCh37 (hg19) VCF-style: chr12-76741987-C-T.
Other names: short protein forms G51E.
Identifiers: ClinVar variation 3360084 (VCV003360084.1).

ClinVar aggregate classification (germline): Uncertain significance (1 of 4 stars; one submission).

gnomAD v4.1: 6 of 1,613,610 alleles (0.00037%); highest among the groups gnomAD compares: Non-Finnish European, 0.00042%; no homozygotes.

Submission:

GeneDx
Classification: Uncertain significance. Last evaluated: 2023-07-05. Review status: criteria provided, single submitter. Criteria: GeneDx Variant Classification Process June 2021. Collection method: clinical testing. Allele origin: germline. Affected: yes.
Comment: Not observed at significant frequency in large population cohorts (gnomAD); In silico analysis supports that this missense variant has a deleterious effect on protein structure/function; Has not been previously published as pathogenic or benign to our knowledge